The following is an entry in ClinVar:

NM_003620.4(PPM1D):c.101C>T (p.Thr34Met)

Gene: PPM1D (protein phosphatase, Mg2+/Mn2+ dependent 1D; plus strand). Cytogenetic location: 17q23.2.
Variant type: single nucleotide variant.
Coding change: c.101C>T on transcript NM_003620.4 (MANE Select); coding-DNA position 101, C replaced by T.
Protein change: p.Thr34Met; replaces threonine 34 with methionine.
Molecular consequence: missense variant.
Genome position (GRCh38, 1-based): chr17:60,600,515, C>T. VCF-style: chr17-60600515-C-T. GRCh37 (hg19) VCF-style: chr17-58677876-C-T.
Other names: short protein forms T34M.
Identifiers: ClinVar variation 3027143 (VCV003027143.22), dbSNP rs1217818543, ClinGen allele CA400452576.

ClinVar aggregate classification (germline): Uncertain significance (1 of 4 stars; one submission).

gnomAD v4.1: 3 of 1,565,904 alleles (0.00019%); highest among the groups gnomAD compares: Non-Finnish European, 0.00026%; no homozygotes.

Submission:

CeGaT Center for Human Genetics Tuebingen
Classification: Uncertain significance. Last evaluated: 2024-02-01. Review status: criteria provided, single submitter. Criteria: CeGaT Center For Human Genetics Tuebingen Variant Classification Criteria Version 2. Collection method: clinical testing. Allele origin: germline. Affected: yes. Observed: 1 variant allele.
Comment: PPM1D: PP2